The following is an entry in ClinVar:

NM_178172.6(GPIHBP1):c.163C>T (p.Pro55Ser)

Gene: GPIHBP1 (glycosylphosphatidylinositol anchored high density lipoprotein binding protein 1; plus strand). Cytogenetic location: 8q24.3.
Variant type: single nucleotide variant.
Coding change: c.163C>T on transcript NM_178172.6 (MANE Select); coding-DNA position 163, C replaced by T.
Protein change: p.Pro55Ser; replaces proline 55 with serine.
Molecular consequence: missense variant.
Genome position (GRCh38, 1-based): chr8:143,213,932, C>T. VCF-style: chr8-143213932-C-T. GRCh37 (hg19) VCF-style: chr8-144295807-C-T.
Other names: c.163C>T, p.Pro55Ser (NM_001301772.2); short protein forms P55S.
Identifiers: ClinVar variation 4843629 (VCV004843629.1).

ClinVar aggregate classification (germline): Uncertain significance (1 of 4 stars; one submission).

Conditions:
Cardiovascular phenotype. Identifiers: MedGen CN230736.

Submission:

Ambry Genetics
Classification: Uncertain significance for Cardiovascular phenotype. Last evaluated: 2025-12-19. Review status: criteria provided, single submitter. Criteria: Ambry Variant Classification Scheme 2023. Collection method: clinical testing. Allele origin: germline.
Comment: The p.P55S variant (also known as c.163C>T), located in coding exon 2 of the GPIHBP1 gene, results from a C to T substitution at nucleotide position 163. The proline at codon 55 is replaced by serine, an amino acid with similar properties. This amino acid position is conserved. In addition, this alteration is predicted to be tolerated by in silico analysis. Based on the available evidence, the clinical significance of this variant remains unclear.